The following is an entry in ClinVar:

ClinVar aggregate classification (germline): Likely benign (1 of 4 stars; one submission).

gnomAD v4.1: 888 of 1,614,044 alleles (0.055%); highest among the groups gnomAD compares: Non-Finnish European, 0.072%; no homozygotes.

Submission:

CeGaT Center for Human Genetics Tuebingen
Classification: Likely benign. Last evaluated: 2024-08-01. Review status: criteria provided, single submitter. Criteria: CeGaT Center For Human Genetics Tuebingen Variant Classification Criteria Version 2. Collection method: clinical testing. Allele origin: germline. Affected: yes. Observed: 1 variant allele.
Comment: IL31RA: BP4, BP7

NM_139017.7(IL31RA):c.2022C>T (p.Cys674=)

Gene: IL31RA (interleukin 31 receptor A; plus strand). Cytogenetic location: 5q11.2.
Variant type: single nucleotide variant.
Coding change: c.2022C>T on transcript NM_139017.7 (MANE Select); coding-DNA position 2022, C replaced by T.
Protein change: p.Cys674=; no amino-acid change (cysteine 674 retained).
Molecular consequence: synonymous variant. On other transcripts: intron variant (2).
Genome position (GRCh38, 1-based): chr5:55,916,847, C>T. VCF-style: chr5-55916847-C-T. GRCh37 (hg19) VCF-style: chr5-55212675-C-T.
Other names: c.1965C>T, p.Cys655= (NM_001242636.2); c.1596C>T, p.Cys532= (NM_001242639.2); c.1952+13C>T (NM_001242638.2); c.2009+13C>T (NM_001242637.2).
Identifiers: ClinVar variation 3341634 (VCV003341634.16).